The following is an entry in ClinVar:

NM_005765.3(ATP6AP2):c.739-165A>C

Gene: ATP6AP2 (ATPase H+ transporting accessory protein 2; plus strand). Cytogenetic location: Xp11.4.
Variant type: single nucleotide variant.
Coding change: c.739-165A>C on transcript NM_005765.3 (MANE Select); 165 bases into the intron before coding-DNA position 739, A replaced by C.
Molecular consequence: intron variant.
Genome position (GRCh38, 1-based): chrX:40,600,597, A>C. VCF-style: chrX-40600597-A-C. GRCh37 (hg19) VCF-style: chrX-40459849-A-C.
Identifiers: ClinVar variation 678095 (VCV000678095.2), dbSNP rs5963810, ClinGen allele CA328989524.

ClinVar aggregate classification (germline): Benign. Review status: criteria provided, multiple submitters, no conflicts (2 of 4 stars). 2 submissions from 2 submitters: Benign (2). Last evaluated 2018-06-18.

Allele frequency attached by ClinVar (database versions not stated): gnomAD exomes 0.04159; gnomAD 0.13910 and 0.14512; TOPMed 0.17359; 1000 Genomes Project 0.18225; 1000 Genomes Project 30x 0.19230.
gnomAD v4.1: 29,197 of 433,269 alleles (6.7%); highest among the groups gnomAD compares: African/African-American, 40%; 3,342 homozygotes.

Submissions (2):

GeneDx
Classification: Benign. Last evaluated: 2018-06-18. Review status: criteria provided, single submitter. Criteria: GeneDx Variant Classification (06012015). Collection method: clinical testing. Allele origin: germline. Affected: yes.
Comment: This variant is considered likely benign or benign based on one or more of the following criteria: it is a conservative change, it occurs at a poorly conserved position in the protein, it is predicted to be benign by multiple in silico algorithms, and/or has population frequency not consistent with disease.

Breakthrough Genomics
Classification: Benign. Review status: criteria provided, single submitter. Criteria: ACMG Guidelines, 2015. Collection method: not provided. Allele origin: germline. Inheritance: X-linked inheritance. Affected: yes.